The following is an entry in ClinVar:

ClinVar aggregate classification (germline): Uncertain significance (1 of 4 stars; one submission).

Conditions:
Neonatal-onset encephalopathy with rigidity and seizures. Also called: Lethal neonatal spasticity-epileptic encephalopathy syndrome. Identifiers: Orphanet 435845, MedGen C3281029, MONDO:0013784, OMIM 614498.

Allele frequency attached by ClinVar (database versions not stated): TOPMed below 0.00001.
gnomAD v4.1: 1 of 1,614,154 alleles (0.000062%); highest among the groups gnomAD compares: Non-Finnish European, 0.000085%; no homozygotes.

Submission:

Labcorp Genetics (formerly Invitae), Labcorp
Classification: Uncertain significance for Neonatal-onset encephalopathy with rigidity and seizures. Last evaluated: 2021-09-01. Review status: criteria provided, single submitter. Criteria: Invitae Variant Classification Sherloc (09022015). Collection method: clinical testing. Allele origin: germline.
Comment: This sequence change replaces serine with phenylalanine at codon 74 of the BRAT1 protein (p.Ser74Phe). The serine residue is highly conserved and there is a large physicochemical difference between serine and phenylalanine. This variant is not present in population databases (ExAC no frequency). This variant has not been reported in the literature in individuals affected with BRAT1-related conditions. Algorithms developed to predict the effect of missense changes on protein structure and function (SIFT, PolyPhen-2, Align-GVGD) all suggest that this variant is likely to be disruptive. In summary, the available evidence is currently insufficient to determine the role of this variant in disease. Therefore, it has been classified as a Variant of Uncertain Significance.

NM_152743.4(BRAT1):c.221C>T (p.Ser74Phe)

Gene: BRAT1 (BRCA1 associated ATM activator 1; minus strand). Cytogenetic location: 7p22.3.
Variant type: single nucleotide variant.
Coding change: c.221C>T on transcript NM_152743.4 (MANE Select); coding-DNA position 221, C replaced by T.
Protein change: p.Ser74Phe; replaces serine 74 with phenylalanine.
Molecular consequence: missense variant. On other transcripts: 5 prime UTR variant (1), non-coding transcript variant (1).
Genome position (GRCh38, 1-based): chr7:2,547,385, G>A on the plus strand (C>T on the coding strand, the complement: BRAT1 is on the minus strand). VCF-style: chr7-2547385-G-A. GRCh37 (hg19) VCF-style: chr7-2587019-G-A.
Other names: c.221C>T, p.Ser74Phe (NM_001350626.2); c.-157C>T (NM_001350627.2); short protein forms S74F.
Identifiers: ClinVar variation 573789 (VCV000573789.6), dbSNP rs1470142306, ClinGen allele CA366633190.
Genomic context (GRCh38, chr7:2,547,385, plus strand): 5'-TGAAGATACTGGAAGCAGTTTTCCTGGGCTGCGAAGGTTCCTGCCAGGCGCAGTGAGAAG[G>A]AGAGGACCCCAGAACTCAGGTCCTGGACTTTCAGCACATGGGACAGCAGCTCCACCAGGC-3'
Protein context (NP_689956.2, residues 64-84): KVQDLSSGVL[Ser74Phe]FSLRLAGTFA